The following is an entry in ClinVar:

ClinVar aggregate classification (germline): Uncertain significance. Review status: criteria provided, multiple submitters, no conflicts (2 of 4 stars). 2 submissions from 2 submitters: Uncertain significance (2). Last evaluated 2025-01-13.

Conditions:
Charcot-Marie-Tooth disease dominant intermediate B (CMTDIB). Also called: Charcot-Marie-Tooth disease dominant intermediate 1; CMT DI1; Charcot-Marie-Tooth disease dominant intermediate I; CHARCOT-MARIE-TOOTH NEUROPATHY, DOMINANT INTERMEDIATE B. Identifiers: Orphanet 100044, Orphanet 228179, MedGen C1847902, MONDO:0011674, OMIM 606482.

Allele frequency attached by ClinVar (database versions not stated): gnomAD exomes 0.00001.
gnomAD v4.1: 6 of 1,614,076 alleles (0.00037%); highest among the groups gnomAD compares: Non-Finnish European, 0.00051%; no homozygotes.

Submissions (2):

Women's Health and Genetics/Laboratory Corporation of America, LabCorp
Classification: Uncertain significance. Last evaluated: 2025-01-13. Review status: criteria provided, single submitter. Criteria: LabCorp Variant Classification Summary - May 2015. Collection method: clinical testing. Allele origin: germline.
Comment: Variant summary: DNM2 c.2197C>T (p.Leu733Phe) results in a non-conservative amino acid change located in the Dynamin GTPase effector domain (IPR003130) of the encoded protein sequence. Three of five in-silico tools predict a benign effect of the variant on protein function. The variant was absent in 251156 control chromosomes. The available data on variant occurrences in the general population are insufficient to allow any conclusion about variant significance. To our knowledge, no occurrence of c.2197C>T in individuals affected with Charcot-Marie-Tooth disease dominant intermediate B and no experimental evidence demonstrating its impact on protein function have been reported. ClinVar contains an entry for this variant (Variation ID: 578871). Based on the evidence outlined above, the variant was classified as uncertain significance.

Labcorp Genetics (formerly Invitae), Labcorp
Classification: Uncertain significance for Charcot-Marie-Tooth disease dominant intermediate B. Last evaluated: 2022-07-05. Review status: criteria provided, single submitter. Criteria: Invitae Variant Classification Sherloc (09022015). Collection method: clinical testing. Allele origin: germline.
Comment: In summary, the available evidence is currently insufficient to determine the role of this variant in disease. Therefore, it has been classified as a Variant of Uncertain Significance. Algorithms developed to predict the effect of missense changes on protein structure and function are either unavailable or do not agree on the potential impact of this missense change (SIFT: "Tolerated"; PolyPhen-2: "Probably Damaging"; Align-GVGD: "Class C0"). ClinVar contains an entry for this variant (Variation ID: 578871). This variant has not been reported in the literature in individuals affected with DNM2-related conditions. This variant is not present in population databases (gnomAD no frequency). This sequence change replaces leucine, which is neutral and non-polar, with phenylalanine, which is neutral and non-polar, at codon 733 of the DNM2 protein (p.Leu733Phe).

NM_001005361.3(DNM2):c.2197C>T (p.Leu733Phe)

Gene: DNM2 (dynamin 2; plus strand). Cytogenetic location: 19p13.2.
Variant type: single nucleotide variant.
Coding change: c.2197C>T on transcript NM_001005361.3 (MANE Select); coding-DNA position 2197, C replaced by T.
Protein change: p.Leu733Phe; replaces leucine 733 with phenylalanine.
Molecular consequence: missense variant.
Genome position (GRCh38, 1-based): chr19:10,829,174, C>T. VCF-style: chr19-10829174-C-T. GRCh37 (hg19) VCF-style: chr19-10939850-C-T.
Other names: c.2197C>T, p.Leu733Phe (NM_001005360.3, NM_001190716.2); c.2185C>T, p.Leu729Phe (NM_001005362.3, NM_004945.4); short protein forms L733F, L729F.
Identifiers: ClinVar variation 578871 (VCV000578871.10), dbSNP rs1568324227, ClinGen allele CA404043026.